The following is an entry in ClinVar:

ClinVar aggregate classification (germline): Likely benign (1 of 4 stars; one submission).

gnomAD v4.1: 5 of 1,540,388 alleles (0.00032%); highest among the groups gnomAD compares: Non-Finnish European, 0.00026%; no homozygotes.

Submission:

CeGaT Center for Human Genetics Tuebingen
Classification: Likely benign. Last evaluated: 2026-03-01. Review status: criteria provided, single submitter. Criteria: CeGaT Center For Human Genetics Tuebingen Variant Classification Criteria Version 2. Collection method: clinical testing. Allele origin: germline. Affected: yes. Observed: 1 variant allele.
Comment: COL18A1: BP4, BP7

NM_001379500.1(COL18A1):c.3309C>T (p.Tyr1103=)

Genes: COL18A1 (collagen type XVIII alpha 1 chain; plus strand), SLC19A1 (solute carrier family 19 member 1; minus strand). Cytogenetic location: 21q22.3.
Variant type: single nucleotide variant.
Coding change: c.3309C>T on transcript NM_001379500.1 (MANE Select); coding-DNA position 3309, C replaced by T.
Protein change: p.Tyr1103=; no amino-acid change (tyrosine 1103 retained).
Molecular consequence: synonymous variant.
Genome position (GRCh38, 1-based): chr21:45,509,415, C>T. VCF-style: chr21-45509415-C-T. GRCh37 (hg19) VCF-style: chr21-46929329-C-T.
Other names: c.3840C>T, p.Tyr1280= (NM_030582.4); c.4545C>T, p.Tyr1515= (NM_130444.3).
Identifiers: ClinVar variation 4822272 (VCV004822272.4).